The following is an entry in ClinVar:

ClinVar aggregate classification (germline): Uncertain significance (1 of 4 stars; one submission).

Conditions:
Inborn genetic diseases. Identifiers: MedGen C0950123, MeSH D030342.

Allele frequency attached by ClinVar (database versions not stated): gnomAD exomes below 0.00001; ExAC 0.00001.
gnomAD v4.1: 1 of 1,610,414 alleles (0.000062%); highest among the groups gnomAD compares: Non-Finnish European, 0.000085%; no homozygotes.

Submission:

Ambry Genetics
Classification: Uncertain significance for Inborn genetic diseases. Last evaluated: 2018-06-26. Review status: criteria provided, single submitter. Criteria: Ambry Variant Classification Scheme 2023. Collection method: clinical testing. Allele origin: germline.
Comment: The p.Q482R variant (also known as c.1445A>G), located in coding exon 10 of the RAD21 gene, results from an A to G substitution at nucleotide position 1445. The glutamine at codon 482 is replaced by arginine, an amino acid with highly similar properties. This amino acid position is highly conserved in available vertebrate species. In addition, this alteration is predicted to be tolerated by in silico analysis. Since supporting evidence is limited at this time, the clinical significance of this alteration remains unclear.

NM_006265.3(RAD21):c.1445A>G (p.Gln482Arg)

Gene: RAD21 (RAD21 cohesin complex component; minus strand). Cytogenetic location: 8q24.11.
Variant type: single nucleotide variant.
Coding change: c.1445A>G on transcript NM_006265.3 (MANE Select); coding-DNA position 1445, A replaced by G.
Protein change: p.Gln482Arg; replaces glutamine 482 with arginine.
Molecular consequence: missense variant.
Genome position (GRCh38, 1-based): chr8:116,851,973, T>C on the plus strand (A>G on the coding strand, the complement: RAD21 is on the minus strand). VCF-style: chr8-116851973-T-C. GRCh37 (hg19) VCF-style: chr8-117864212-T-C.
Other names: short protein forms Q482R.
Identifiers: ClinVar variation 1772781 (VCV001772781.2), dbSNP rs754008925, ClinGen allele CA4852823.